The following is an entry in ClinVar:

NM_000057.4(BLM):c.2537A>C (p.Lys846Thr)

Gene: BLM (BLM RecQ like helicase; plus strand). Cytogenetic location: 15q26.1.
Variant type: single nucleotide variant.
Coding change: c.2537A>C on transcript NM_000057.4 (MANE Select); coding-DNA position 2537, A replaced by C.
Protein change: p.Lys846Thr; replaces lysine 846 with threonine.
Molecular consequence: missense variant.
Genome position (GRCh38, 1-based): chr15:90,769,568, A>C. VCF-style: chr15-90769568-A-C. GRCh37 (hg19) VCF-style: chr15-91312798-A-C.
Other names: c.2537A>C, p.Lys846Thr (NM_001287246.2, NM_001287247.2); c.1412A>C, p.Lys471Thr (NM_001287248.2); short protein forms K471T, K846T.
Identifiers: ClinVar variation 1327067 (VCV001327067.2), dbSNP rs2151166394, ClinGen allele CA393845526.
Genomic context (GRCh38, chr15:90,769,568, plus strand): 5'-TGATGGCTCTTACGGCCACAGCTAATCCCAGGGTACAGAAGGACATCCTGACTCAGCTGA[A>C]GATTCTCAGACCTCAGGTGTAAGTTGTTGCACGTCACGTATTTGAGAACCCTGGGGCAGT-3'
Protein context (NP_000048.1, residues 836-856): RVQKDILTQL[Lys846Thr]ILRPQVFSMS

ClinVar aggregate classification (germline): Uncertain significance. Review status: criteria provided, multiple submitters, no conflicts (2 of 4 stars). 2 submissions from 2 submitters: Uncertain significance (2). Last evaluated 2022-11-09.

Conditions:
Bloom syndrome (BLM). Also called: Bloom-Torre-Machacek syndrome. Identifiers: Orphanet 125, MedGen C0005859, MONDO:0008876, OMIM 210900.

Submissions (2):

Quest Diagnostics Nichols Institute San Juan Capistrano
Classification: Uncertain significance. Last evaluated: 2022-11-09. Review status: criteria provided, single submitter. Criteria: Quest Diagnostics criteria. Collection method: clinical testing. Allele origin: unknown.
Comment: To the best of our knowledge, the variant has not been reported in the published literature. It also has not been reported in large, multi-ethnic general populations. Analysis of this variant using bioinformatics tools for the prediction of the effect of amino acid changes on protein structure and function yielded conflicting predictions that this variant is benign or damaging. Based on the available information, we are unable to determine the clinical significance of this variant.

Baylor Genetics
Classification: Uncertain significance for Bloom syndrome. Last evaluated: 2021-07-22. Review status: criteria provided, single submitter. Criteria: ACMG Guidelines, 2015. Collection method: clinical testing. Allele origin: unknown. Affected: yes. Study: CSER-TexasKidsCanSeq.
Comment: This variant was determined to be of uncertain significance according to ACMG Guidelines, 2015 [PMID:25741868].